The following is an entry in ClinVar:

NM_020041.3(SLC2A9):c.1203G>A (p.Thr401=)

Gene: SLC2A9 (solute carrier family 2 member 9; minus strand). Cytogenetic location: 4p16.1.
Variant type: single nucleotide variant.
Coding change: c.1203G>A on transcript NM_020041.3 (MANE Select); coding-DNA position 1203, G replaced by A.
Protein change: p.Thr401=; no amino-acid change (threonine 401 retained).
Molecular consequence: synonymous variant.
Genome position (GRCh38, 1-based): chr4:9,890,622, C>T on the plus strand (G>A on the coding strand, the complement: SLC2A9 is on the minus strand). VCF-style: chr4-9890622-C-T. GRCh37 (hg19) VCF-style: chr4-9892246-C-T.
Other names: c.1116G>A, p.Thr372= (NM_001001290.2).
Identifiers: ClinVar variation 350203 (VCV000350203.10), dbSNP rs191072192, ClinGen allele CA2856940.
Genomic context (GRCh38, chr4:9,890,622, plus strand): 5'-TCAGCTCCATGCTTATCTCCCTCAAATGTGACAAGAACATCGTCTCACCTGCAGGGTCAG[C>T]GTGATGGTGAGGGTCCCAAAGAAGAGGCCCATGAGCCCAAAGCCACCAATGAGGAGGGGT-3'
Protein context (NP_064425.2, residues 391-411): MGLFFGTLTI[Thr401=]LTLQDHAPWV

ClinVar aggregate classification (germline): Benign/Likely benign. Review status: criteria provided, multiple submitters, no conflicts (2 of 4 stars). 4 submissions from 4 submitters: Benign (3); Likely benign (1). Last evaluated 2025-12-31.

Conditions:
Hypouricemia, renal, 2. Also called: HYPOURICEMIA, RENAL, 2, AUTOSOMAL DOMINANT; HYPOURICEMIA, RENAL, 2, AUTOSOMAL RECESSIVE. Identifiers: MedGen C2677549, MONDO:0012793, OMIM 612076.

Allele frequency attached by ClinVar (database versions not stated): 1000 Genomes Project 30x 0.00062; TOPMed 0.00070; 1000 Genomes Project 0.00080.
gnomAD v4.1: 351 of 1,614,040 alleles (0.022%); highest among the groups gnomAD compares: East Asian, 0.61%; 2 homozygotes.

Submissions (4):

Labcorp Genetics (formerly Invitae), Labcorp
Classification: Benign. Last evaluated: 2025-12-31. Review status: criteria provided, single submitter. Criteria: Invitae Variant Classification Sherloc (09022015). Collection method: clinical testing. Allele origin: germline.

Blueprint Genetics
Classification: Likely benign. Last evaluated: 2024-08-29. Review status: criteria provided, single submitter. Criteria: ACMG Guidelines, 2015. Collection method: clinical testing. Allele origin: germline.

Illumina Laboratory Services, Illumina
Classification: Benign for Hypouricemia, renal, 2. Last evaluated: 2018-01-12. Review status: criteria provided, single submitter. Criteria: ICSL Variant Classification Criteria 13 December 2019. Collection method: clinical testing. Allele origin: germline.
Comment: This variant was observed in the ICSL laboratory as part of a predisposition screen in an ostensibly healthy population. It had not been previously curated by ICSL or reported in the Human Gene Mutation Database (HGMD: prior to June 1st, 2018), and was therefore a candidate for classification through an automated scoring system. Utilizing variant allele frequency, disease prevalence and penetrance estimates, and inheritance mode, an automated score was calculated to assess if this variant is too frequent to cause the disease. Based on the score and internal cut-off values, a variant classified as benign is not then subjected to further curation. The score for this variant resulted in a classification of benign for this disease.

Breakthrough Genomics
Classification: Benign. Review status: criteria provided, single submitter. Criteria: ACMG Guidelines, 2015. Collection method: not provided. Allele origin: germline. Inheritance: Autosomal dominant inheritance. Affected: yes.